The following is an entry in ClinVar:

NM_000512.5(GALNS):c.1087A>G (p.Ile363Val)

Gene: GALNS (galactosamine (N-acetyl)-6-sulfatase; minus strand). Cytogenetic location: 16q24.3.
Variant type: single nucleotide variant.
Coding change: c.1087A>G on transcript NM_000512.5 (MANE Select); coding-DNA position 1087, A replaced by G.
Protein change: p.Ile363Val; replaces isoleucine 363 with valine.
Molecular consequence: missense variant.
Genome position (GRCh38, 1-based): chr16:88,826,754, T>C on the plus strand (A>G on the coding strand, the complement: GALNS is on the minus strand). VCF-style: chr16-88826754-T-C. GRCh37 (hg19) VCF-style: chr16-88893162-T-C.
Other names: c.532A>G, p.Ile178Val (NM_001323543.2); c.1105A>G, p.Ile369Val (NM_001323544.2); c.1087A>G (NM_000512.4); short protein forms I369V, I178V, I363V.
Identifiers: ClinVar variation 1399182 (VCV001399182.6), dbSNP rs758802414, ClinGen allele CA8234828.

ClinVar aggregate classification (germline): Uncertain significance. Review status: criteria provided, multiple submitters, no conflicts (2 of 4 stars). 2 submissions from 2 submitters: Uncertain significance (2). Last evaluated 2024-06-22.

Conditions:
Inborn genetic diseases. Identifiers: MedGen C0950123, MeSH D030342.
Mucopolysaccharidosis, MPS-IV-A (MPS4A). Also called: Morquio syndrome A, mild; MORQUIO SYNDROME A; GALACTOSAMINE-6-SULFATASE DEFICIENCY; GALNS DEFICIENCY; MORQUIO A DISEASE; Mucopolysaccharidosis type IV A. Identifiers: Orphanet 309297, Orphanet 582, MedGen C0086651, MONDO:0009659, OMIM 253000.

Allele frequency attached by ClinVar (database versions not stated): ExAC 0.00002; gnomAD 0.00002; gnomAD exomes 0.00003 and 0.00004.
gnomAD v4.1: 42 of 1,611,540 alleles (0.0026%); highest among the groups gnomAD compares: Admixed American, 0.0067%; no homozygotes.

Submissions (2):

Ambry Genetics
Classification: Uncertain significance for Inborn genetic diseases. Last evaluated: 2024-06-22. Review status: criteria provided, single submitter. Criteria: Ambry Variant Classification Scheme 2023. Collection method: clinical testing. Allele origin: germline.

Labcorp Genetics (formerly Invitae), Labcorp
Classification: Uncertain significance for Mucopolysaccharidosis, MPS-IV-A. Last evaluated: 2021-09-01. Review status: criteria provided, single submitter. Criteria: Invitae Variant Classification Sherloc (09022015). Collection method: clinical testing. Allele origin: germline.
Comment: This sequence change replaces isoleucine with valine at codon 363 of the GALNS protein (p.Ile363Val). The isoleucine residue is highly conserved and there is a small physicochemical difference between isoleucine and valine. This variant is present in population databases (rs758802414, ExAC 0.004%). This variant has not been reported in the literature in individuals affected with GALNS-related conditions. Advanced modeling of protein sequence and biophysical properties (such as structural, functional, and spatial information, amino acid conservation, physicochemical variation, residue mobility, and thermodynamic stability) performed at Invitae indicates that this missense variant is not expected to disrupt GALNS protein function. In summary, the available evidence is currently insufficient to determine the role of this variant in disease. Therefore, it has been classified as a Variant of Uncertain Significance.